The following is an entry in ClinVar:

ClinVar aggregate classification (germline): Uncertain significance (1 of 4 stars; one submission).

Conditions:
Rienhoff syndrome. Also called: LOEYS-DIETZ SYNDROME 5. Identifiers: MedGen C3810012, MONDO:0014262, OMIM 615582.

Submission:

Labcorp Genetics (formerly Invitae), Labcorp
Classification: Uncertain significance for Rienhoff syndrome. Last evaluated: 2025-01-28. Review status: criteria provided, single submitter. Criteria: Invitae Variant Classification Sherloc (09022015). Collection method: clinical testing. Allele origin: germline.
Comment: This sequence change replaces lysine, which is basic and polar, with glutamic acid, which is acidic and polar, at codon 182 of the TGFB3 protein (p.Lys182Glu). This variant is not present in population databases (gnomAD no frequency). This variant has not been reported in the literature in individuals affected with TGFB3-related conditions. Invitae Evidence Modeling of protein sequence and biophysical properties (such as structural, functional, and spatial information, amino acid conservation, physicochemical variation, residue mobility, and thermodynamic stability) indicates that this missense variant is not expected to disrupt TGFB3 protein function with a negative predictive value of 80%. In summary, the available evidence is currently insufficient to determine the role of this variant in disease. Therefore, it has been classified as a Variant of Uncertain Significance.

NM_003239.5(TGFB3):c.544A>G (p.Lys182Glu)

Gene: TGFB3 (transforming growth factor beta 3; minus strand). Cytogenetic location: 14q24.3.
Variant type: single nucleotide variant.
Coding change: c.544A>G on transcript NM_003239.5 (MANE Select); coding-DNA position 544, A replaced by G.
Protein change: p.Lys182Glu; replaces lysine 182 with glutamic acid.
Molecular consequence: missense variant.
Genome position (GRCh38, 1-based): chr14:75,971,228, T>C on the plus strand (A>G on the coding strand, the complement: TGFB3 is on the minus strand). VCF-style: chr14-75971228-T-C. GRCh37 (hg19) VCF-style: chr14-76437571-T-C.
Other names: c.544A>G, p.Lys182Glu (NM_001329938.2, NM_001329939.2); short protein forms K182E.
Identifiers: ClinVar variation 3665228 (VCV003665228.2).
Genomic context (GRCh38, chr14:75,971,228, plus strand): 5'-AGGACAGCCACTCGGCAGTGCCCCGTGTGGGCAGATTCTTGCCACCGATATAGCGCTGTT[T>C]GGCAATGTGCTCATCTGGCCGAAGGATCTACAGGGCAGAGAAAGGAGTGAGTACCCGAGA-3'
Protein context (NP_003230.1, residues 172-192): QILRPDEHIA[Lys182Glu]QRYIGGKNLP